The following is an entry in ClinVar:

NM_002764.4(PRPS1):c.344T>C (p.Met115Thr)

Gene: PRPS1 (phosphoribosyl pyrophosphate synthetase 1; plus strand). Cytogenetic location: Xq22.3.
Variant type: single nucleotide variant.
Coding change: c.344T>C on transcript NM_002764.4 (MANE Select); coding-DNA position 344, T replaced by C.
Protein change: p.Met115Thr; replaces methionine 115 with threonine.
Molecular consequence: missense variant. On other transcripts: intron variant (1).
Genome position (GRCh38, 1-based): chrX:107,640,939, T>C. VCF-style: chrX-107640939-T-C. GRCh37 (hg19) VCF-style: chrX-106884169-T-C.
Other names: c.-82-4238T>C (NM_001204402.2); short protein forms M115T.
Identifiers: ClinVar variation 9935 (VCV000009935.12), dbSNP rs80338732, ClinGen allele CA340960.

ClinVar aggregate classification (germline): Pathogenic/Likely pathogenic. Review status: criteria provided, multiple submitters, no conflicts (2 of 4 stars). 5 submissions from 5 submitters: Pathogenic (1); Likely pathogenic (2). 2 of the submissions do not count toward it. Last evaluated 2025-04-15.

Conditions:
Charcot-Marie-Tooth Neuropathy X. Identifiers: MedGen CN118851.
Charcot-Marie-Tooth disease X-linked recessive 5 (CMTX5). Also called: Optic atrophy, neural deafness, and distal neurogenic amyotrophy; ROSENBERG-CHUTORIAN SYNDROME; OPTIC ATROPHY, POLYNEUROPATHY, AND DEAFNESS; Charcot-Marie-Tooth Neuropathy X Type 5 (CMTX5). Identifiers: Orphanet 99014, MedGen C1839566, MONDO:0010699, OMIM 311070.

Submissions (5):

Dasa
Classification: Pathogenic. Last evaluated: 2025-04-15. Review status: criteria provided, single submitter. Criteria: DASA Assertion Criteria. Collection method: clinical testing. Allele origin: germline.
Comment: NM_002764.4(PRPS1):c.344T>C (p.Met115Thr) is a missense variant that results in the substitution of methionine with threonine. The affected residue or protein region has prior evidence supporting clinical relevance. Segregation evidence has been reported in affected families. Functional evidence supports a deleterious effect on the gene or gene product (PMID: 17701900; PMID: 33493137; PMID: 25785835; PMID: 25182139). This variant has been recurrently observed in individuals with related phenotype (PMID: 17701900; PMID: 33493137; PMID: 25785835; PMID: 25182139). Multiple computational predictions support a deleterious effect on the gene or gene product. The variant is present at low frequency in population datasets. Based on the available data, this variant is classified as pathogenic.

3billion
Classification: Likely pathogenic for Charcot-Marie-Tooth disease X-linked recessive 5. Last evaluated: 2024-02-28. Review status: criteria provided, single submitter. Criteria: ACMG Guidelines, 2015. Collection method: clinical testing. Allele origin: germline. Affected: yes.
Comment: The variant is not observed in the gnomAD v2.1.1 dataset. Predicted Consequence/Location: Missense changes are a common disease-causing mechanism. Functional studies provide moderate evidence of the variant having a damaging effect on the gene or gene product (PMID: 17701900, 33493137). In silico tool predictions suggest damaging effect of the variant on gene or gene product [REVEL: 0.89 (>=0.6, sensitivity 0.68 and specificity 0.92); 3Cnet: 0.93 (>=0.6, sensitivity 0.72 and precision 0.9)]. Same nucleotide change resulting in same amino acid change has been previously reported to be associated with PRPS1 related disorder (ClinVar ID: VCV000009935 /PMID: 17701900).A different missense change at the same codon (p.Met115Val) has been reported as pathogenic/likely pathogenic with strong evidence (ClinVar ID: VCV000140572 /PMID: 25182139). Therefore, this variant is classified as Likely pathogenic according to the recommendation of ACMG/AMP guideline.

Labcorp Genetics (formerly Invitae), Labcorp
Classification: Likely pathogenic for Charcot-Marie-Tooth Neuropathy X. Last evaluated: 2023-11-24. Review status: criteria provided, single submitter. Criteria: Invitae Variant Classification Sherloc (09022015). Collection method: clinical testing. Allele origin: germline.
Comment: This sequence change replaces methionine, which is neutral and non-polar, with threonine, which is neutral and polar, at codon 115 of the PRPS1 protein (p.Met115Thr). This variant is not present in population databases (gnomAD no frequency). This missense change has been observed in individuals with X-linked recessive Charcot-Marie-Tooth disease-5 (CMTX5) (PMID: 17701900). It has also been observed to segregate with disease in related individuals. ClinVar contains an entry for this variant (Variation ID: 9935). Advanced modeling of protein sequence and biophysical properties (such as structural, functional, and spatial information, amino acid conservation, physicochemical variation, residue mobility, and thermodynamic stability) performed at Invitae indicates that this missense variant is not expected to disrupt PRPS1 protein function with a negative predictive value of 80%. Experimental studies have shown that this missense change affects PRPS1 function (PMID: 17701900, 33493137). This variant disrupts the p.Met115 amino acid residue in PRPS1. Other variant(s) that disrupt this residue have been observed in individuals with PRPS1-related conditions (PMID: 25182139), which suggests that this may be a clinically significant amino acid residue. In summary, the currently available evidence indicates that the variant is pathogenic, but additional data are needed to prove that conclusively. Therefore, this variant has been classified as Likely Pathogenic.

OMIM
Classification: Pathogenic for CHARCOT-MARIE-TOOTH DISEASE, X-LINKED RECESSIVE, 5. Last evaluated: 2007-09-01. Review status: no assertion criteria provided. Collection method: literature only. Allele origin: germline. Not counted in ClinVar's aggregate classification.

GeneReviews
No classification provided. Condition: Charcot-Marie-Tooth disease X-linked recessive 5. Review status: no classification provided. Collection method: literature only. Allele origin: unknown. Not counted in ClinVar's aggregate classification.

Literature cited by the submitters: PubMed 17701900 (cited by 5 submitters); PubMed 33493137 (cited by 3 submitters); PubMed 25785835 (cited by Dasa); PubMed 25182139 (cited by 3 submitters); PubMed 20301731 (cited by GeneReviews); NCBI Bookshelf NBK1876 (cited by GeneReviews).